The following is an entry in ClinVar:

NM_015103.3(PLXND1):c.4519C>T (p.Arg1507Trp)

Gene: PLXND1 (plexin D1; minus strand). Cytogenetic location: 3q22.1.
Variant type: single nucleotide variant.
Coding change: c.4519C>T on transcript NM_015103.3 (MANE Select); coding-DNA position 4519, C replaced by T.
Protein change: p.Arg1507Trp; replaces arginine 1507 with tryptophan.
Molecular consequence: missense variant.
Genome position (GRCh38, 1-based): chr3:129,565,342, G>A on the plus strand (C>T on the coding strand, the complement: PLXND1 is on the minus strand). VCF-style: chr3-129565342-G-A. GRCh37 (hg19) VCF-style: chr3-129284185-G-A.
Other names: short protein forms R1507W.
Identifiers: ClinVar variation 4882083 (VCV004882083.2).

ClinVar aggregate classification (germline): Uncertain significance (1 of 4 stars; one submission).

gnomAD v4.1: 2 of 1,613,038 alleles (0.00012%); highest among the groups gnomAD compares: East Asian, 0.0022%; no homozygotes.

Submission:

Dasa
Classification: Uncertain significance. Last evaluated: 2024-12-10. Review status: criteria provided, single submitter. Criteria: DASA Assertion Criteria. Collection method: clinical testing. Allele origin: germline.
Comment: NM_015103.3(PLXND1):c.4519C>T (p.Arg1507Trp) is a missense variant that results in the substitution of arginine with tryptophan. This variant is rare in population databases. Computational prediction algorithms are consistent with a benign effect. The currently available literature and clinical evidence are not sufficient to establish a definitive association between this variant and the reported condition. Therefore, this variant is classified as a variant of uncertain significance.